The following is an entry in ClinVar:

NM_017654.4(SAMD9):c.4223T>C (p.Val1408Ala)

Gene: SAMD9 (sterile alpha motif domain containing 9; minus strand). Cytogenetic location: 7q21.2.
Variant type: single nucleotide variant.
Coding change: c.4223T>C on transcript NM_017654.4 (MANE Select); coding-DNA position 4223, T replaced by C.
Protein change: p.Val1408Ala; replaces valine 1408 with alanine.
Molecular consequence: missense variant.
Genome position (GRCh38, 1-based): chr7:93,101,875, A>G on the plus strand (T>C on the coding strand, the complement: SAMD9 is on the minus strand). VCF-style: chr7-93101875-A-G. GRCh37 (hg19) VCF-style: chr7-92731188-A-G.
Other names: c.4223T>C (NM_017654.3); c.4223T>C, p.Val1408Ala (NM_001193307.2); short protein forms V1408A.
Identifiers: ClinVar variation 1508618 (VCV001508618.7), dbSNP rs1791536336, ClinGen allele CA368180136.
Genomic context (GRCh38, chr7:93,101,875, plus strand): 5'-AACTGATAAGTCAGTCCTATTGGTTGCAAGACTTCTCGAAGCTGATCTTTTAGTTTTTCA[A>G]CTGGCTTTACTAATCTGGAGGTAGGTTGGATACAGGAGAGAATAATGTTGGCCAAGATGA-3'
Protein context (NP_060124.2, residues 1398-1418): IQPTSRLVKP[Val1408Ala]EKLKDQLREV

ClinVar aggregate classification (germline): Uncertain significance. Review status: criteria provided, multiple submitters, no conflicts (2 of 4 stars). 2 submissions from 2 submitters: Uncertain significance (2). Last evaluated 2024-12-12.

Conditions:
Inborn genetic diseases. Identifiers: MedGen C0950123, MeSH D030342.

Allele frequency attached by ClinVar (database versions not stated): TOPMed below 0.00001.

Submissions (2):

Ambry Genetics
Classification: Uncertain significance for Inborn genetic diseases. Last evaluated: 2024-12-12. Review status: criteria provided, single submitter. Criteria: Ambry Variant Classification Scheme 2023. Collection method: clinical testing. Allele origin: germline.
Comment: The p.V1408A variant (also known as c.4223T>C), located in coding exon 1 of the SAMD9 gene, results from a T to C substitution at nucleotide position 4223. The valine at codon 1408 is replaced by alanine, an amino acid with similar properties. This amino acid position is conserved. In addition, this alteration is predicted to be tolerated by in silico analysis. Based on the available evidence, the clinical significance of this variant remains unclear.

Labcorp Genetics (formerly Invitae), Labcorp
Classification: Uncertain significance. Last evaluated: 2021-10-22. Review status: criteria provided, single submitter. Criteria: Invitae Variant Classification Sherloc (09022015). Collection method: clinical testing. Allele origin: germline.
Comment: In summary, the available evidence is currently insufficient to determine the role of this variant in disease. Therefore, it has been classified as a Variant of Uncertain Significance. This sequence change replaces valine with alanine at codon 1408 of the SAMD9 protein (p.Val1408Ala). The valine residue is weakly conserved and there is a small physicochemical difference between valine and alanine. This variant is not present in population databases (ExAC no frequency). This variant has not been reported in the literature in individuals affected with SAMD9-related conditions. Algorithms developed to predict the effect of missense changes on protein structure and function (SIFT, PolyPhen-2, Align-GVGD) all suggest that this variant is likely to be tolerated.